The following is an entry in ClinVar:

NM_000155.4(GALT):c.155C>G (p.Pro52Arg)

Genes: GALT (galactose-1-phosphate uridylyltransferase; plus strand), LOC130001683 (ATAC-STARR-seq lymphoblastoid active region 28314; plus strand). Cytogenetic location: 9p13.3.
Variant type: single nucleotide variant.
Coding change: c.155C>G on transcript NM_000155.4 (MANE Select); coding-DNA position 155, C replaced by G.
Protein change: p.Pro52Arg; replaces proline 52 with arginine.
Molecular consequence: missense variant. On other transcripts: 5 prime UTR variant (1).
Genome position (GRCh38, 1-based): chr9:34,647,161, C>G. VCF-style: chr9-34647161-C-G. GRCh37 (hg19) VCF-style: chr9-34647158-C-G.
Other names: p.Pro52Arg; c.-48C>G (NM_001258332.2); short protein forms P52R.
Identifiers: ClinVar variation 1172855 (VCV001172855.4), dbSNP rs2132341621, ClinGen allele CA373278632.

ClinVar aggregate classification (germline): Conflicting classifications of pathogenicity. Review status: criteria provided, conflicting classifications (1 of 4 stars). 3 submissions from 3 submitters: Likely pathogenic (2); Uncertain significance (1). Last evaluated 2025-10-27.

Conditions:
Deficiency of UDPglucose-hexose-1-phosphate uridylyltransferase. Also called: Transferase Deficiency Galactosemia; GALT deficiency; Galactosemia, classic; GALACTOSE-1-PHOSPHATE URIDYLYLTRANSFERASE DEFICIENCY; GALACTOSEMIA I. Identifiers: Orphanet 352, Orphanet 79239, MedGen C0268151, MONDO:0009258, OMIM 230400.

Submissions (3):

Mayo Clinic Laboratories, Mayo Clinic
Classification: Likely pathogenic. Last evaluated: 2025-10-27. Review status: criteria provided, single submitter. Criteria: ACMG Guidelines, 2015. Collection method: clinical testing. Allele origin: germline. Observed: 2 variant alleles.
Comment: PP3_strong, PP4, PM2_supporting, PM3_supporting

First Genomix Gene Laboratory, Genetic Diagnostics Department
Classification: Likely pathogenic for Deficiency of UDPglucose-hexose-1-phosphate uridylyltransferase. Last evaluated: 2025-03-18. Review status: criteria provided, single submitter. Criteria: ACMG Guidelines, 2015. Collection method: clinical testing. Allele origin: germline. Inheritance: Autosomal recessive inheritance. Affected: no. Observed: 1 variant allele.

Women's Health and Genetics/Laboratory Corporation of America, LabCorp
Classification: Uncertain significance. Last evaluated: 2021-06-07. Review status: criteria provided, single submitter. Criteria: LabCorp Variant Classification Summary - May 2015. Collection method: clinical testing. Allele origin: germline.
Comment: Variant summary: GALT c.155C>G (p.Pro52Arg) results in a non-conservative amino acid change located in the Galactose-1-phosphate uridyl transferase, N-terminal domain (IPR005849) of the encoded protein sequence. Five of five in-silico tools predict a damaging effect of the variant on protein function. The variant was absent in 251396 control chromosomes. The available data on variant occurrences in the general population are insufficient to allow any conclusion about variant significance. To our knowledge, no occurrence of c.155C>G in individuals affected with Galactosemia and no experimental evidence demonstrating its impact on protein function have been reported. No clinical diagnostic laboratories have submitted clinical-significance assessments for this variant to ClinVar after 2014. Based on the evidence outlined above, the variant was classified as uncertain significance.